The following is an entry in ClinVar:

ClinVar aggregate classification (germline): Uncertain significance (1 of 4 stars; one submission).

Submission:

Labcorp Genetics (formerly Invitae), Labcorp
Classification: Uncertain significance. Last evaluated: 2024-09-04. Review status: criteria provided, single submitter. Criteria: Invitae Variant Classification Sherloc (09022015). Collection method: clinical testing. Allele origin: germline.
Comment: This sequence change replaces alanine, which is neutral and non-polar, with threonine, which is neutral and polar, at codon 264 of the MERTK protein (p.Ala264Thr). This variant is not present in population databases (gnomAD no frequency). This variant has not been reported in the literature in individuals affected with MERTK-related conditions. ClinVar contains an entry for this variant (Variation ID: 971549). Invitae Evidence Modeling of protein sequence and biophysical properties (such as structural, functional, and spatial information, amino acid conservation, physicochemical variation, residue mobility, and thermodynamic stability) indicates that this missense variant is expected to disrupt MERTK protein function with a positive predictive value of 80%. In summary, the available evidence is currently insufficient to determine the role of this variant in disease. Therefore, it has been classified as a Variant of Uncertain Significance.

NM_006343.3(MERTK):c.790G>A (p.Ala264Thr)

Gene: MERTK (MER proto-oncogene, tyrosine kinase; plus strand). Cytogenetic location: 2q13.
Variant type: single nucleotide variant.
Coding change: c.790G>A on transcript NM_006343.3 (MANE Select); coding-DNA position 790, G replaced by A.
Protein change: p.Ala264Thr; replaces alanine 264 with threonine.
Molecular consequence: missense variant.
Genome position (GRCh38, 1-based): chr2:111,965,223, G>A. VCF-style: chr2-111965223-G-A. GRCh37 (hg19) VCF-style: chr2-112722800-G-A.
Other names: short protein forms A264T.
Identifiers: ClinVar variation 971549 (VCV000971549.7), dbSNP rs1685337706, ClinGen allele CA348230884.